The following is an entry in ClinVar:

NM_016292.3(TRAP1):c.470A>C (p.Gln157Pro)

Gene: TRAP1 (TNF receptor associated protein 1; minus strand). Cytogenetic location: 16p13.3.
Variant type: single nucleotide variant.
Coding change: c.470A>C on transcript NM_016292.3 (MANE Select); coding-DNA position 470, A replaced by C.
Protein change: p.Gln157Pro; replaces glutamine 157 with proline.
Molecular consequence: missense variant.
Genome position (GRCh38, 1-based): chr16:3,685,997, T>G on the plus strand (A>C on the coding strand, the complement: TRAP1 is on the minus strand). VCF-style: chr16-3685997-T-G. GRCh37 (hg19) VCF-style: chr16-3735998-T-G.
Other names: c.311A>C, p.Gln104Pro (NM_001272049.2); short protein forms Q104P, Q157P.
Identifiers: ClinVar variation 4994112 (VCV004994112.1).
Genomic context (GRCh38, chr16:3,685,997, plus strand): 5'-GGATCCTGTCCTTGCTGCATGGCCGGGCCTGCCACACGCCTGGACACTGAGGGAGGTACC[T>G]GGATGGTGATGGTGCCTTTCTCGGCATTGGTCTGCAAGTGAATCTCCATTTCTGGCAGTG-3'
Protein context (NP_057376.2, residues 147-167): TNAEKGTITI[Gln157Pro]DTGIGMTQEE

ClinVar aggregate classification (germline): Uncertain significance (1 of 4 stars; one submission).

Conditions:
TRAP1-related disorder. Also called: TRAP1-related condition.

Submission:

PreventionGenetics, part of Exact Sciences
Classification: Uncertain significance for TRAP1-related condition. Last evaluated: 2026-05-18. Review status: criteria provided, single submitter. Criteria: ACMG Guidelines, 2015. Collection method: clinical testing. Allele origin: germline.
Comment: The TRAP1 c.470A>C variant is predicted to result in the amino acid substitution p.Gln157Pro. To our knowledge, this variant has not been reported in the literature. This variant is reported in 0.0062% of alleles in individuals of African descent in gnomAD. At this time, the clinical significance of this variant is uncertain due to the absence of conclusive functional and genetic evidence.